The following is an entry in ClinVar:

ClinVar aggregate classification (germline): Conflicting classifications of pathogenicity. Review status: criteria provided, conflicting classifications (1 of 4 stars). 2 submissions from 2 submitters: Likely pathogenic (1); Uncertain significance (1). Last evaluated 2025-09-05.

Conditions:
Tay-Sachs disease (TSD). Also called: GM2 gangliosidosis, type 1; Hexosaminidase alpha-subunit deficiency (variant B); Sphingolipidosis, Tay-Sachs; Hexosaminidase A Deficiency; HEXA DEFICIENCY; HEXA Disorders. Identifiers: Orphanet 845, MedGen C0039373, MONDO:0010100, OMIM 272800.

Submissions (2):

Women's Health and Genetics/Laboratory Corporation of America, LabCorp
Classification: Uncertain significance. Last evaluated: 2025-09-05. Review status: criteria provided, single submitter. Criteria: LabCorp Variant Classification Summary - May 2015. Collection method: clinical testing. Allele origin: germline.
Comment: Variant summary: HEXA c.965A>T (p.Asp322Val) results in a non-conservative amino acid change in the encoded protein sequence. Algorithms developed to predict the effect of missense changes on protein structure and function all suggest that this variant is likely to be disruptive. The variant was absent in 251390 control chromosomes (gnomAD). The available data on variant occurrences in the general population are insufficient to allow any conclusion about variant significance. Two different variants affecting the same codon have been classified as likely pathogenic/pathogenic by our lab (c.964G>T, p.Asp322Tyr; c.965A>G, p.Asp322Gly), supporting the critical relevance of codon 322 to HEXA protein function. To our knowledge, no occurrence of c.965A>T in individuals affected with Tay-Sachs Disease and no experimental evidence demonstrating its impact on protein function have been reported. The following publication have been ascertained in the context of this evaluation (PMID: 19858779). ClinVar contains an entry for this variant (Variation ID: 2137730). Based on the evidence outlined above, the variant was classified as VUS-possibly pathogenic.

Labcorp Genetics (formerly Invitae), Labcorp
Classification: Likely pathogenic for Tay-Sachs disease. Last evaluated: 2022-03-20. Review status: criteria provided, single submitter. Criteria: Invitae Variant Classification Sherloc (09022015). Collection method: clinical testing. Allele origin: germline.
Comment: This sequence change replaces aspartic acid, which is acidic and polar, with valine, which is neutral and non-polar, at codon 322 of the HEXA protein (p.Asp322Val). This variant is not present in population databases (gnomAD no frequency). This variant has not been reported in the literature in individuals affected with HEXA-related conditions. Advanced modeling of protein sequence and biophysical properties (such as structural, functional, and spatial information, amino acid conservation, physicochemical variation, residue mobility, and thermodynamic stability) performed at Invitae indicates that this missense variant is expected to disrupt HEXA protein function. This variant disrupts the p.Asp322 amino acid residue in HEXA. Other variant(s) that disrupt this residue have been determined to be pathogenic (PMID: 22723944, 23852624; Invitae). This suggests that this residue is clinically significant, and that variants that disrupt this residue are likely to be disease-causing. In summary, the currently available evidence indicates that the variant is pathogenic, but additional data are needed to prove that conclusively. Therefore, this variant has been classified as Likely Pathogenic.

Literature cited by the submitters: PubMed 19858779 (cited by Women's Health and Genetics/Laboratory Corporation of America, LabCorp); PubMed 22723944 (cited by Labcorp Genetics (formerly Invitae), Labcorp); PubMed 23852624 (cited by Labcorp Genetics (formerly Invitae), Labcorp).

NM_000520.6(HEXA):c.965A>T (p.Asp322Val)

Gene: HEXA (hexosaminidase subunit alpha; minus strand). Cytogenetic location: 15q23.
Variant type: single nucleotide variant.
Coding change: c.965A>T on transcript NM_000520.6 (MANE Select); coding-DNA position 965, A replaced by T.
Protein change: p.Asp322Val; replaces aspartic acid 322 with valine.
Molecular consequence: missense variant. On other transcripts: non-coding transcript variant (1).
Genome position (GRCh38, 1-based): chr15:72,349,100, T>A on the plus strand (A>T on the coding strand, the complement: HEXA is on the minus strand). VCF-style: chr15-72349100-T-A. GRCh37 (hg19) VCF-style: chr15-72641441-T-A.
Other names: c.998A>T, p.Asp333Val (NM_001318825.2); short protein forms D333V, D322V.
Identifiers: ClinVar variation 2137730 (VCV002137730.5), dbSNP rs2088660373, ClinGen allele CA393062186.